The following is an entry in ClinVar:

NM_001035.3(RYR2):c.11250A>C (p.Glu3750Asp)

Gene: RYR2 (ryanodine receptor 2; plus strand). Cytogenetic location: 1q43.
Variant type: single nucleotide variant.
Coding change: c.11250A>C on transcript NM_001035.3 (MANE Select); coding-DNA position 11250, A replaced by C.
Protein change: p.Glu3750Asp; replaces glutamic acid 3750 with aspartic acid.
Molecular consequence: missense variant.
Genome position (GRCh38, 1-based): chr1:237,757,701, A>C. VCF-style: chr1-237757701-A-C. GRCh37 (hg19) VCF-style: chr1-237921001-A-C.
Other names: c.11250A>C, p.Glu3750Asp (LRG_402t1); short protein forms E3750D.
Identifiers: ClinVar variation 651449 (VCV000651449.9), dbSNP rs769433180, ClinGen allele CA084880.

ClinVar aggregate classification (germline): Conflicting classifications of pathogenicity. Review status: criteria provided, conflicting classifications (1 of 4 stars). 2 submissions from 2 submitters: Uncertain significance (1); Likely benign (1). Last evaluated 2026-01-14.

Conditions:
Catecholaminergic polymorphic ventricular tachycardia 1. Also called: RYR2-Related Catecholaminergic Polymorphic Ventricular Tachycardia; VENTRICULAR TACHYCARDIA, STRESS-INDUCED POLYMORPHIC 1; VENTRICULAR TACHYCARDIA, CATECHOLAMINERGIC POLYMORPHIC, 1, WITH OR WITHOUT ATRIAL DYSFUNCTION AND/OR DILATED CARDIOMYOPATHY. Identifiers: Orphanet 3286, MedGen C1631597, MONDO:0011484, OMIM 604772.
Catecholaminergic polymorphic ventricular tachycardia (CVPT). Also called: Catecholamine-induced polymorphic ventricular tachycardia. Identifiers: Orphanet 3286, MedGen C5574922, MONDO:0017990.

Allele frequency attached by ClinVar (database versions not stated): gnomAD exomes below 0.00001; ExAC 0.00001; gnomAD 0.00001; TOPMed 0.00001.
gnomAD v4.1: 3 of 1,605,960 alleles (0.00019%); highest among the groups gnomAD compares: African/African-American, 0.004%; no homozygotes.

Submissions (2):

Labcorp Genetics (formerly Invitae), Labcorp
Classification: Likely benign for Catecholaminergic polymorphic ventricular tachycardia 1. Last evaluated: 2026-01-14. Review status: criteria provided, single submitter. Criteria: Invitae Variant Classification Sherloc (09022015). Collection method: clinical testing. Allele origin: germline.

All of Us Research Program, National Institutes of Health
Classification: Uncertain significance for Catecholaminergic polymorphic ventricular tachycardia. Last evaluated: 2024-05-14. Review status: criteria provided, single submitter. Criteria: ACMG Guidelines, 2015. Collection method: clinical testing. Allele origin: germline. Inheritance: Autosomal dominant inheritance. Observed: 1 variant allele, 1 heterozygote.
Comment: This missense variant replaces glutamic acid with aspartic acid at codon 3750 of the RYR2 protein. Computational prediction suggests that this variant may not impact protein structure and function (internally defined REVEL score threshold <= 0.5, PMID: 27666373). To our knowledge, functional studies have not been reported for this variant. This variant has not been reported in individuals affected with RYR2-related disorders in the literature. This variant has been identified in 1/248952 chromosomes in the general population by the Genome Aggregation Database (gnomAD). The available evidence is insufficient to determine the role of this variant in disease conclusively. Therefore, this variant is classified as a Variant of Uncertain Significance.

This study involves interpretation of variants in research participants for the purpose of population health screening. Participant phenotype was not available at the time of variant classification. Additional details can be found in publication PMID: 35346344, PMCID: PMC8962531